The following is an entry in ClinVar:

NM_000284.4(PDHA1):c.630G>T (p.Met210Ile)

Gene: PDHA1 (pyruvate dehydrogenase E1 subunit alpha 1; plus strand). Cytogenetic location: Xp22.12.
Variant type: single nucleotide variant.
Coding change: c.630G>T on transcript NM_000284.4 (MANE Select); coding-DNA position 630, G replaced by T.
Protein change: p.Met210Ile; replaces methionine 210 with isoleucine.
Molecular consequence: missense variant.
Genome position (GRCh38, 1-based): chrX:19,355,375, G>T. VCF-style: chrX-19355375-G-T. GRCh37 (hg19) VCF-style: chrX-19373493-G-T.
Other names: c.744G>T, p.Met248Ile (NM_001173454.2); c.651G>T, p.Met217Ile (NM_001173455.2); c.537G>T, p.Met179Ile (NM_001173456.2); short protein forms M179I, M210I, M217I, M248I.
Identifiers: ClinVar variation 1320311 (VCV001320311.1), dbSNP rs2147180753, ClinGen allele CA412394351.
Genomic context (GRCh38, chrX:19,355,375, plus strand): 5'-GCCAAATGAAACCCCTTTTCGTAACTACTTCCAGGGCCAGATATTCGAAGCTTACAACAT[G>T]GCAGCTTTGTGGAAATTACCTTGTATTTTCATCTGTGAGAATAATCGCTATGGAATGGGA-3'
Protein context (NP_000275.1, residues 200-220): NQGQIFEAYN[Met210Ile]AALWKLPCIF

ClinVar aggregate classification (germline): Uncertain significance (1 of 4 stars; one submission).

Conditions:
Pyruvate dehydrogenase E1-alpha deficiency (PDHAD). Also called: ATAXIA, INTERMITTENT, WITH PYRUVATE DEHYDROGENASE DEFICIENCY; ATAXIA WITH LACTIC ACIDOSIS I; ATAXIA, INTERMITTENT, WITH ABNORMAL PYRUVATE METABOLISM; Ataxia, intermittent, with pyruvate dehydrogenase, or decarboxylase, deficiency. Identifiers: Orphanet 79243, MedGen C1839413, MONDO:0010717, OMIM 312170.

Submission:

HudsonAlpha Institute for Biotechnology
Classification: Uncertain significance for Pyruvate dehydrogenase E1-alpha deficiency. Last evaluated: 2021-10-26. Review status: criteria provided, single submitter. Criteria: ACMG Guidelines, 2015. Collection method: research. Allele origin: unknown. Observed: 1 variant allele. Study: CSER-SouthSeq.
Comment: ACMG codes: PM2